The following is an entry in ClinVar:

NM_000257.4(MYH7):c.2032A>G (p.Thr678Ala)

Gene: MYH7 (myosin heavy chain 7; minus strand). Cytogenetic location: 14q11.2.
Variant type: single nucleotide variant.
Coding change: c.2032A>G on transcript NM_000257.4 (MANE Select); coding-DNA position 2032, A replaced by G.
Protein change: p.Thr678Ala; replaces threonine 678 with alanine.
Molecular consequence: missense variant.
Genome position (GRCh38, 1-based): chr14:23,426,789, T>C on the plus strand (A>G on the coding strand, the complement: MYH7 is on the minus strand). VCF-style: chr14-23426789-T-C. GRCh37 (hg19) VCF-style: chr14-23895998-T-C.
Other names: c.2032A>G, p.Thr678Ala (NM_001407004.1); short protein forms T678A.
Identifiers: ClinVar variation 1784775 (VCV001784775.2), dbSNP rs2502292319, ClinGen allele CA389049280.

ClinVar aggregate classification (germline): Uncertain significance (1 of 4 stars; one submission).

Conditions:
Cardiovascular phenotype. Identifiers: MedGen CN230736.

Submission:

Ambry Genetics
Classification: Uncertain significance for Cardiovascular phenotype. Last evaluated: 2019-11-21. Review status: criteria provided, single submitter. Criteria: Ambry Variant Classification Scheme 2023. Collection method: clinical testing. Allele origin: germline.
Comment: The p.T678A variant (also known as c.2032A>G), located in coding exon 16 of the MYH7 gene, results from an A to G substitution at nucleotide position 2032. The threonine at codon 678 is replaced by alanine, an amino acid with similar properties, and is located in the head domain. This amino acid position is well conserved in available vertebrate species. In addition, the in silico prediction for this alteration is inconclusive. Since supporting evidence is limited at this time, the clinical significance of this alteration remains unclear.